The following is an entry in ClinVar:

NM_001999.4(FBN2):c.8674G>T (p.Asp2892Tyr)

Gene: FBN2 (fibrillin 2; minus strand). Cytogenetic location: 5q23.3.
Variant type: single nucleotide variant.
Coding change: c.8674G>T on transcript NM_001999.4 (MANE Select); coding-DNA position 8674, G replaced by T.
Protein change: p.Asp2892Tyr; replaces aspartic acid 2892 with tyrosine.
Molecular consequence: missense variant.
Genome position (GRCh38, 1-based): chr5:128,259,520, C>A on the plus strand (G>T on the coding strand, the complement: FBN2 is on the minus strand). VCF-style: chr5-128259520-C-A. GRCh37 (hg19) VCF-style: chr5-127595212-C-A.
Other names: short protein forms D2892Y.
Identifiers: ClinVar variation 213377 (VCV000213377.21), dbSNP rs557212203, ClinGen allele CA319796.

ClinVar aggregate classification (germline): Conflicting classifications of pathogenicity. Review status: criteria provided, conflicting classifications (1 of 4 stars). 6 submissions from 6 submitters: Uncertain significance (1); Benign (2); Likely benign (3). Last evaluated 2026-01-05.

Conditions:
Macular degeneration, early-onset (EOMD). Identifiers: MedGen C4015286, MONDO:0014501, OMIM 616118.
Congenital contractural arachnodactyly (CCA). Also called: BEALS SYNDROME; Beals-Hecht syndrome; Arthrogryposis, distal, type 9. Identifiers: Orphanet 115, MedGen C0220668, MONDO:0007363, OMIM 121050.
Familial thoracic aortic aneurysm and aortic dissection (TAAD). Also called: Thoracic aortic aneurysms and dissections. Identifiers: Orphanet 91387, MedGen C4707243, MONDO:0019625.

Allele frequency attached by ClinVar (database versions not stated): gnomAD 0.00010 and 0.00014; TOPMed 0.00017; ExAC 0.00040; gnomAD exomes 0.00043; 1000 Genomes Project 30x 0.00047; 1000 Genomes Project 0.00060.
gnomAD v4.1: 149 of 1,613,970 alleles (0.0092%); highest among the groups gnomAD compares: East Asian, 0.3%; no homozygotes.

Submissions (6):

Labcorp Genetics (formerly Invitae), Labcorp
Classification: Benign for Congenital contractural arachnodactyly. Last evaluated: 2026-01-05. Review status: criteria provided, single submitter. Criteria: Invitae Variant Classification Sherloc (09022015). Collection method: clinical testing. Allele origin: germline.

Blueprint Genetics
Classification: Likely benign. Last evaluated: 2024-10-03. Review status: criteria provided, single submitter. Criteria: ACMG Guidelines, 2015. Collection method: clinical testing. Allele origin: germline.

Ambry Genetics
Classification: Likely benign for Familial thoracic aortic aneurysm and aortic dissection. Last evaluated: 2021-03-18. Review status: criteria provided, single submitter. Criteria: Ambry Variant Classification Scheme 2023. Collection method: clinical testing. Allele origin: germline.

GeneDx
Classification: Likely benign. Last evaluated: 2019-01-02. Review status: criteria provided, single submitter. Criteria: GeneDx Variant Classification Process June 2021. Collection method: clinical testing. Allele origin: germline. Affected: yes.

Illumina Laboratory Services, Illumina
Classification: Benign for Congenital contractural arachnodactyly. Last evaluated: 2018-01-12. Review status: criteria provided, single submitter. Criteria: ICSL Variant Classification Criteria 13 December 2019. Collection method: clinical testing. Allele origin: germline.
Comment: This variant was observed in the ICSL laboratory as part of a predisposition screen in an ostensibly healthy population. It had not been previously curated by ICSL or reported in the Human Gene Mutation Database (HGMD: prior to June 1st, 2018), and was therefore a candidate for classification through an automated scoring system. Utilizing variant allele frequency, disease prevalence and penetrance estimates, and inheritance mode, an automated score was calculated to assess if this variant is too frequent to cause the disease. Based on the score and internal cut-off values, a variant classified as benign is not then subjected to further curation. The score for this variant resulted in a classification of benign for this disease.

Department of Medical Genetics, College of Basic Medicine, Army Medical University
Classification: Uncertain significance for Macular degeneration, early-onset. Review status: criteria provided, single submitter. Criteria: ACMG Guidelines, 2015. Collection method: clinical testing. Allele origin: paternal. Inheritance: Autosomal dominant inheritance. Affected: yes.